The following is an entry in ClinVar:

ClinVar aggregate classification (germline): Uncertain significance (1 of 4 stars; one submission).

Submission:

Ambry Genetics
Classification: Uncertain significance. Last evaluated: 2021-12-21. Review status: criteria provided, single submitter. Criteria: Ambry Variant Classification Scheme 2023. Collection method: clinical testing. Allele origin: germline.
Comment: The p.L1747P variant (also known as c.5240T>C), located in coding exon 16 of the POLQ gene, results from a T to C substitution at nucleotide position 5240. The leucine at codon 1747 is replaced by proline, an amino acid with similar properties. This amino acid position is conserved. In addition, this alteration is predicted to be tolerated by in silico analysis. Since supporting evidence is limited at this time, the clinical significance of this alteration remains unclear.

NM_199420.4(POLQ):c.5240T>C (p.Leu1747Pro)

Gene: POLQ (DNA polymerase theta; minus strand). Cytogenetic location: 3q13.33.
Variant type: single nucleotide variant.
Coding change: c.5240T>C on transcript NM_199420.4 (MANE Select); coding-DNA position 5240, T replaced by C.
Protein change: p.Leu1747Pro; replaces leucine 1747 with proline.
Molecular consequence: missense variant.
Genome position (GRCh38, 1-based): chr3:121,487,691, A>G on the plus strand (T>C on the coding strand, the complement: POLQ is on the minus strand). VCF-style: chr3-121487691-A-G. GRCh37 (hg19) VCF-style: chr3-121206538-A-G.
Other names: short protein forms L1747P.
Identifiers: ClinVar variation 1746300 (VCV001746300.2), dbSNP rs2546784940, ClinGen allele CA354090839.